The following is an entry in ClinVar:

NM_054027.6(ANKH):c.916A>G (p.Asn306Asp)

Gene: ANKH (ANKH inorganic pyrophosphate transport regulator; minus strand). Cytogenetic location: 5p15.2.
Variant type: single nucleotide variant.
Coding change: c.916A>G on transcript NM_054027.6 (MANE Select); coding-DNA position 916, A replaced by G.
Protein change: p.Asn306Asp; replaces asparagine 306 with aspartic acid.
Molecular consequence: missense variant.
Genome position (GRCh38, 1-based): chr5:14,741,922, T>C on the plus strand (A>G on the coding strand, the complement: ANKH is on the minus strand). VCF-style: chr5-14741922-T-C. GRCh37 (hg19) VCF-style: chr5-14742031-T-C.
Other names: short protein forms N306D.
Identifiers: ClinVar variation 3363732 (VCV003363732.2).

ClinVar aggregate classification (germline): Uncertain significance. Review status: criteria provided, multiple submitters, no conflicts (2 of 4 stars). 2 submissions from 2 submitters: Uncertain significance (2). Last evaluated 2025-01-29.

Conditions:
Inborn genetic diseases. Identifiers: MedGen C0950123, MeSH D030342.

gnomAD v4.1: 19 of 1,613,840 alleles (0.0012%); highest among the groups gnomAD compares: Non-Finnish European, 0.0013%; no homozygotes.

Submissions (2):

Ambry Genetics
Classification: Uncertain significance for Inborn genetic diseases. Last evaluated: 2025-01-29. Review status: criteria provided, single submitter. Criteria: Ambry Variant Classification Scheme 2023. Collection method: clinical testing. Allele origin: germline.

GeneDx
Classification: Uncertain significance. Last evaluated: 2023-11-13. Review status: criteria provided, single submitter. Criteria: GeneDx Variant Classification Process June 2021. Collection method: clinical testing. Allele origin: germline. Affected: yes.
Comment: In silico analysis supports that this missense variant does not alter protein structure/function; Has not been previously published as pathogenic or benign to our knowledge